The following is an entry in ClinVar:

NM_020184.4(CNNM4):c.193A>C (p.Ile65Leu)

Gene: CNNM4 (cyclin and CBS domain divalent metal cation transport mediator 4; plus strand). Cytogenetic location: 2q11.2.
Variant type: single nucleotide variant.
Coding change: c.193A>C on transcript NM_020184.4 (MANE Select); coding-DNA position 193, A replaced by C.
Protein change: p.Ile65Leu; replaces isoleucine 65 with leucine.
Molecular consequence: missense variant.
Genome position (GRCh38, 1-based): chr2:96,761,192, A>C. VCF-style: chr2-96761192-A-C. GRCh37 (hg19) VCF-style: chr2-97426929-A-C.
Other names: short protein forms I65L.
Identifiers: ClinVar variation 2007753 (VCV002007753.4), dbSNP rs1324850511, ClinGen allele CA347711490.

ClinVar aggregate classification (germline): Uncertain significance (1 of 4 stars; one submission).

Submission:

Labcorp Genetics (formerly Invitae), Labcorp
Classification: Uncertain significance. Last evaluated: 2022-06-26. Review status: criteria provided, single submitter. Criteria: Invitae Variant Classification Sherloc (09022015). Collection method: clinical testing. Allele origin: germline.
Comment: This variant is not present in population databases (gnomAD no frequency). This sequence change replaces isoleucine, which is neutral and non-polar, with leucine, which is neutral and non-polar, at codon 65 of the CNNM4 protein (p.Ile65Leu). This variant has not been reported in the literature in individuals affected with CNNM4-related conditions. Algorithms developed to predict the effect of missense changes on protein structure and function (SIFT, PolyPhen-2, Align-GVGD) all suggest that this variant is likely to be tolerated. In summary, the available evidence is currently insufficient to determine the role of this variant in disease. Therefore, it has been classified as a Variant of Uncertain Significance.